The following is an entry in ClinVar:

ClinVar aggregate classification (germline): Uncertain significance. Review status: criteria provided, multiple submitters, no conflicts (2 of 4 stars). 2 submissions from 2 submitters: Uncertain significance (2). Last evaluated 2025-01-06.

Conditions:
Rubinstein-Taybi syndrome (RSTS). Identifiers: Orphanet 783, MedGen C0035934, MONDO:0019188.

Submissions (2):

Labcorp Genetics (formerly Invitae), Labcorp
Classification: Uncertain significance for Rubinstein-Taybi syndrome. Last evaluated: 2025-01-06. Review status: criteria provided, single submitter. Criteria: Invitae Variant Classification Sherloc (09022015). Collection method: clinical testing. Allele origin: germline.
Comment: This sequence change replaces methionine, which is neutral and non-polar, with lysine, which is basic and polar, at codon 769 of the CREBBP protein (p.Met769Lys). This variant is not present in population databases (gnomAD no frequency). This variant has not been reported in the literature in individuals affected with CREBBP-related conditions. ClinVar contains an entry for this variant (Variation ID: 1879329). Invitae Evidence Modeling of protein sequence and biophysical properties (such as structural, functional, and spatial information, amino acid conservation, physicochemical variation, residue mobility, and thermodynamic stability) has been performed for this missense variant. However, the output from this modeling did not meet the statistical confidence thresholds required to predict the impact of this variant on CREBBP protein function. In summary, the available evidence is currently insufficient to determine the role of this variant in disease. Therefore, it has been classified as a Variant of Uncertain Significance.

CeGaT Center for Human Genetics Tuebingen
Classification: Uncertain significance. Last evaluated: 2022-10-01. Review status: criteria provided, single submitter. Criteria: CeGaT Center For Human Genetics Tuebingen Variant Classification Criteria Version 2. Collection method: clinical testing. Allele origin: germline. Affected: yes. Observed: 1 variant allele.

NM_004380.3(CREBBP):c.2306T>A (p.Met769Lys)

Gene: CREBBP (CREB binding lysine acetyltransferase; minus strand). Cytogenetic location: 16p13.3.
Variant type: single nucleotide variant.
Coding change: c.2306T>A on transcript NM_004380.3 (MANE Select); coding-DNA position 2306, T replaced by A.
Protein change: p.Met769Lys; replaces methionine 769 with lysine.
Molecular consequence: missense variant.
Genome position (GRCh38, 1-based): chr16:3,773,908, A>T on the plus strand (T>A on the coding strand, the complement: CREBBP is on the minus strand). VCF-style: chr16-3773908-A-T. GRCh37 (hg19) VCF-style: chr16-3823909-A-T.
Other names: c.2192T>A, p.Met731Lys (NM_001079846.1); short protein forms M731K, M769K.
Identifiers: ClinVar variation 1879329 (VCV001879329.32), dbSNP rs2141216902, ClinGen allele CA394553109.